The following is an entry in ClinVar:

NM_000303.3(PMM2):c.127G>T (p.Val43Leu)

Gene: PMM2 (phosphomannomutase 2; plus strand). Cytogenetic location: 16p13.2.
Variant type: single nucleotide variant.
Coding change: c.127G>T on transcript NM_000303.3 (MANE Select); coding-DNA position 127, G replaced by T.
Protein change: p.Val43Leu; replaces valine 43 with leucine.
Molecular consequence: missense variant.
Genome position (GRCh38, 1-based): chr16:8,801,859, G>T. VCF-style: chr16-8801859-G-T. GRCh37 (hg19) VCF-style: chr16-8895716-G-T.
Other names: short protein forms V43L.
Identifiers: ClinVar variation 841043 (VCV000841043.9), dbSNP rs376754460, ClinGen allele CA394695249.

ClinVar aggregate classification (germline): Uncertain significance. Review status: criteria provided, multiple submitters, no conflicts (2 of 4 stars). 3 submissions from 3 submitters: Uncertain significance (2). 1 of the submissions does not count toward it. Last evaluated 2024-07-30.

Conditions:
PMM2-congenital disorder of glycosylation. Also called: PMM2-CDG; PHOSPHOMANNOMUTASE 2 DEFICIENCY; CARBOHYDRATE-DEFICIENT GLYCOPROTEIN SYNDROME, TYPE Ia; Congenital disorder of glycosylation, type Ia; CDG Ia; JAEKEN SYNDROME. Identifiers: Orphanet 79318, MedGen C0349653, MONDO:0008907, OMIM 212065.

Allele frequency attached by ClinVar (database versions not stated): TOPMed 0.00002.
gnomAD v4.1: 4 of 1,612,436 alleles (0.00025%); highest among the groups gnomAD compares: Admixed American, 0.0017%; no homozygotes.

Submissions (3):

Women's Health and Genetics/Laboratory Corporation of America, LabCorp
Classification: Uncertain significance. Last evaluated: 2024-07-30. Review status: criteria provided, single submitter. Criteria: LabCorp Variant Classification Summary - May 2015. Collection method: clinical testing. Allele origin: germline.
Comment: Variant summary: PMM2 c.127G>T (p.Val43Leu) results in a conservative amino acid change in the encoded protein sequence. Three of five in-silico tools predict a benign effect of the variant on protein function. The variant was absent in 249760 control chromosomes. The available data on variant occurrences in the general population are insufficient to allow any conclusion about variant significance. To our knowledge, no occurrence of c.127G>T in individuals affected with Congenital Disorder Of Glycosylation Type 1a and no experimental evidence demonstrating its impact on protein function have been reported. ClinVar contains an entry for this variant (Variation ID: 841043). Based on the evidence outlined above, the variant was classified as uncertain significance.

Labcorp Genetics (formerly Invitae), Labcorp
Classification: Uncertain significance for PMM2-congenital disorder of glycosylation. Last evaluated: 2022-07-19. Review status: criteria provided, single submitter. Criteria: Invitae Variant Classification Sherloc (09022015). Collection method: clinical testing. Allele origin: germline.
Comment: This sequence change replaces valine, which is neutral and non-polar, with leucine, which is neutral and non-polar, at codon 43 of the PMM2 protein (p.Val43Leu). This variant is not present in population databases (gnomAD no frequency). This variant has not been reported in the literature in individuals affected with PMM2-related conditions. ClinVar contains an entry for this variant (Variation ID: 841043). Algorithms developed to predict the effect of missense changes on protein structure and function (SIFT, PolyPhen-2, Align-GVGD) all suggest that this variant is likely to be tolerated. In summary, the available evidence is currently insufficient to determine the role of this variant in disease. Therefore, it has been classified as a Variant of Uncertain Significance.

Natera, Inc.
Classification: Uncertain significance for Congenital disorder of glycosylation type 1a. Last evaluated: 2025-04-20. Review status: no assertion criteria provided. Collection method: clinical testing. Allele origin: germline. Not counted in ClinVar's aggregate classification.